The following is an entry in ClinVar:

ClinVar aggregate classification (germline): Uncertain significance. Review status: criteria provided, multiple submitters, no conflicts (2 of 4 stars). 4 submissions from 4 submitters: Uncertain significance (4). Last evaluated 2025-12-21.

Conditions:
Primary ciliary dyskinesia 20. Also called: CILIARY DYSKINESIA, PRIMARY, 20, WITH OR WITHOUT SITUS INVERSUS. Identifiers: Orphanet 244, MedGen C3540844, MONDO:0014030, OMIM 615067.
Primary ciliary dyskinesia. Also called: Ciliary dyskinesia. Identifiers: Orphanet 244, MedGen C0008780, MONDO:0016575, HP:0012265.

Allele frequency attached by ClinVar (database versions not stated): gnomAD 0.00006; ExAC 0.00008; gnomAD exomes 0.00008; TOPMed 0.00014; 1000 Genomes Project 30x 0.00016; 1000 Genomes Project 0.00020.
gnomAD v4.1: 98 of 1,614,044 alleles (0.0061%); highest among the groups gnomAD compares: East Asian, 0.082%; no homozygotes.

Submissions (4):

Ambry Genetics
Classification: Uncertain significance for Primary ciliary dyskinesia. Last evaluated: 2025-12-21. Review status: criteria provided, single submitter. Criteria: Ambry Variant Classification Scheme 2023. Collection method: clinical testing. Allele origin: germline.
Comment: The p.N302S variant (also known as c.905A>G), located in coding exon 8 of the CCDC114 gene, results from an A to G substitution at nucleotide position 905. The asparagine at codon 302 is replaced by serine, an amino acid with highly similar properties. This amino acid position is conserved. In addition, this alteration is predicted to be tolerated by in silico analysis. Based on the available evidence, the clinical significance of this variant remains unclear.

Blueprint Genetics
Classification: Uncertain significance. Last evaluated: 2023-10-17. Review status: criteria provided, single submitter. Criteria: ACMG Guidelines, 2015. Collection method: clinical testing. Allele origin: germline.

Labcorp Genetics (formerly Invitae), Labcorp
Classification: Uncertain significance for Primary ciliary dyskinesia. Last evaluated: 2021-08-27. Review status: criteria provided, single submitter. Criteria: Invitae Variant Classification Sherloc (09022015). Collection method: clinical testing. Allele origin: germline.
Comment: This sequence change replaces asparagine with serine at codon 302 of the CCDC114 protein (p.Asn302Ser). The asparagine residue is moderately conserved and there is a small physicochemical difference between asparagine and serine. This variant is present in population databases (rs145222993, ExAC 0.04%). This missense change has been observed in individual(s) with primary ciliary dyskinesia (PMID: 23261302). Algorithms developed to predict the effect of missense changes on protein structure and function (SIFT, PolyPhen-2, Align-GVGD) all suggest that this variant is likely to be tolerated. In summary, the available evidence is currently insufficient to determine the role of this variant in disease. Therefore, it has been classified as a Variant of Uncertain Significance.

Baylor Genetics
Classification: Uncertain significance for Primary ciliary dyskinesia 20. Last evaluated: 2019-12-05. Review status: criteria provided, single submitter. Criteria: ACMG Guidelines, 2015. Collection method: clinical testing. Allele origin: unknown. Affected: yes.
Comment: This variant was determined to be of uncertain significance according to ACMG Guidelines, 2015 [PMID:25741868].

Literature cited by the submitters: PubMed 23261302 (cited by Labcorp Genetics (formerly Invitae), Labcorp).

NM_001364171.2(ODAD1):c.1016A>G (p.Asn339Ser)

Gene: ODAD1 (outer dynein arm docking complex subunit 1; minus strand). Cytogenetic location: 19q13.33.
Variant type: single nucleotide variant.
Coding change: c.1016A>G on transcript NM_001364171.2 (MANE Select); coding-DNA position 1016, A replaced by G.
Protein change: p.Asn339Ser; replaces asparagine 339 with serine.
Molecular consequence: missense variant.
Genome position (GRCh38, 1-based): chr19:48,303,068, T>C on the plus strand (A>G on the coding strand, the complement: ODAD1 is on the minus strand). VCF-style: chr19-48303068-T-C. GRCh37 (hg19) VCF-style: chr19-48806325-T-C.
Other names: c.905A>G, p.Asn302Ser (NM_144577.4); short protein forms N302S, N339S.
Identifiers: ClinVar variation 525277 (VCV000525277.19), dbSNP rs145222993, ClinGen allele CA9548864.